The following is an entry in ClinVar:

ClinVar aggregate classification (germline): Pathogenic (1 of 4 stars; one submission).

Conditions:
RFX3-associated neurodevelopmental disorder.

Submission:

Institute of Human Genetics, University of Leipzig Medical Center
Classification: Pathogenic for RFX3-associated neurodevelopmental disorder. Last evaluated: 2025-05-13. Review status: criteria provided, single submitter. Criteria: ACMG Guidelines, 2015. Collection method: clinical testing. Allele origin: de novo. Inheritance: Autosomal dominant inheritance. Affected: yes.
Comment: Criteria applied: PVS1,PS2_MOD,PM2

Literature cited by the submitters: PubMed 33658631.

NM_001282116.2(RFX3):c.115C>T (p.Gln39Ter)

Gene: RFX3 (regulatory factor X3; minus strand). Cytogenetic location: 9p24.2.
Variant type: single nucleotide variant.
Coding change: c.115C>T on transcript NM_001282116.2 (MANE Select); coding-DNA position 115, C replaced by T.
Protein change: p.Gln39Ter; replaces glutamine 39 with a stop codon.
Molecular consequence: nonsense.
Genome position (GRCh38, 1-based): chr9:3,395,474, G>A on the plus strand (C>T on the coding strand, the complement: RFX3 is on the minus strand). VCF-style: chr9-3395474-G-A. GRCh37 (hg19) VCF-style: chr9-3395474-G-A.
Other names: c.115C>T, p.Gln39Ter (NM_001282117.2, NM_001377999.1, NM_002919.4 and 1 more transcripts); short protein forms Q39*.
Identifiers: ClinVar variation 1712325 (VCV001712325.2), dbSNP rs2489070185, ClinGen allele CA372840934.